The following is an entry in ClinVar:

ClinVar aggregate classification (germline): Uncertain significance (1 of 4 stars; one submission).

Conditions:
Inborn genetic diseases. Identifiers: MedGen C0950123, MeSH D030342.

Submission:

Ambry Genetics
Classification: Uncertain significance for Inborn genetic diseases. Last evaluated: 2026-04-05. Review status: criteria provided, single submitter. Criteria: Ambry Variant Classification Scheme 2023. Collection method: clinical testing. Allele origin: germline.
Comment: The p.H364Y variant (also known as c.1090C>T), located in coding exon 9 of the BUB1B gene, results from a C to T substitution at nucleotide position 1090. The histidine at codon 364 is replaced by tyrosine, an amino acid with similar properties. This amino acid position is conserved. In addition, this alteration is predicted to be tolerated by in silico analysis. Based on the available evidence, the clinical significance of this variant remains unclear.

NM_001211.6(BUB1B):c.1090C>T (p.His364Tyr)

Gene: BUB1B (BUB1 mitotic checkpoint serine/threonine kinase B; plus strand). Cytogenetic location: 15q15.1.
Variant type: single nucleotide variant.
Coding change: c.1090C>T on transcript NM_001211.6 (MANE Select); coding-DNA position 1090, C replaced by T.
Protein change: p.His364Tyr; replaces histidine 364 with tyrosine.
Molecular consequence: missense variant.
Genome position (GRCh38, 1-based): chr15:40,196,576, C>T. VCF-style: chr15-40196576-C-T. GRCh37 (hg19) VCF-style: chr15-40488777-C-T.
Other names: short protein forms H364Y.
Identifiers: ClinVar variation 4867990 (VCV004867990.1).